The following is an entry in ClinVar:

NM_032444.4(SLX4):c.3931A>G (p.Ile1311Val)

Gene: SLX4 (SLX4 structure-specific endonuclease subunit; minus strand). Cytogenetic location: 16p13.3.
Variant type: single nucleotide variant.
Coding change: c.3931A>G on transcript NM_032444.4 (MANE Select); coding-DNA position 3931, A replaced by G.
Protein change: p.Ile1311Val; replaces isoleucine 1311 with valine.
Molecular consequence: missense variant.
Genome position (GRCh38, 1-based): chr16:3,589,707, T>C on the plus strand (A>G on the coding strand, the complement: SLX4 is on the minus strand). VCF-style: chr16-3589707-T-C. GRCh37 (hg19) VCF-style: chr16-3639708-T-C.
Other names: c.3931A>G (NM_032444.3); short protein forms I1311V.
Identifiers: ClinVar variation 1385537 (VCV001385537.8), dbSNP rs1196234101, ClinGen allele CA394518800.
Genomic context (GRCh38, chr16:3,589,707, plus strand): 5'-CTGGAGAGACGGGAGTGAGGCATGAGGACGGTGTCTGGGGCGGTGGTGTCTGGGGCCTGA[T>C]GACAGAAAACTTCTGTGCGACTTCGTTCCCTTCCCTGTTTCCTACTGAGGCCCTGGGCGT-3'
Protein context (NP_115820.2, residues 1301-1321): GNEVAQKFSV[Ile1311Val]RPQTPPPQTP

ClinVar aggregate classification (germline): Conflicting classifications of pathogenicity. Review status: criteria provided, conflicting classifications (1 of 4 stars). 3 submissions from 3 submitters: Uncertain significance (2); Likely benign (1). Last evaluated 2025-03-19.

Conditions:
SLX4-related disorder. Also called: SLX4-related condition.
Fanconi anemia (FA). Also called: Fanconi's anemia. Identifiers: Orphanet 84, MedGen C0015625, MeSH D005199, MONDO:0019391.

Allele frequency attached by ClinVar (database versions not stated): gnomAD exomes below 0.00001; TOPMed below 0.00001; gnomAD 0.00001.
gnomAD v4.1: 3 of 1,613,854 alleles (0.00019%); highest among the groups gnomAD compares: Admixed American, 0.0017%; no homozygotes.

Submissions (3):

PreventionGenetics, part of Exact Sciences
Classification: Uncertain significance for SLX4-related condition. Last evaluated: 2025-03-19. Review status: criteria provided, single submitter. Criteria: ACMG Guidelines, 2015. Collection method: clinical testing. Allele origin: germline.
Comment: The SLX4 c.3931A>G variant is predicted to result in the amino acid substitution p.Ile1311Val. To our knowledge, this variant has not been reported in the literature or in a large population database (gnomAD), indicating this variant is rare. At this time, the clinical significance of this variant is uncertain due to the absence of conclusive functional and genetic evidence.

Blueprint Genetics
Classification: Likely benign. Last evaluated: 2024-05-28. Review status: criteria provided, single submitter. Criteria: ACMG Guidelines, 2015. Collection method: clinical testing. Allele origin: germline.

Labcorp Genetics (formerly Invitae), Labcorp
Classification: Uncertain significance for Fanconi anemia. Last evaluated: 2022-03-29. Review status: criteria provided, single submitter. Criteria: Invitae Variant Classification Sherloc (09022015). Collection method: clinical testing. Allele origin: germline.
Comment: In summary, the available evidence is currently insufficient to determine the role of this variant in disease. Therefore, it has been classified as a Variant of Uncertain Significance. Algorithms developed to predict the effect of missense changes on protein structure and function output the following: SIFT: "Tolerated"; PolyPhen-2: "Benign"; Align-GVGD: "Class C0". The valine amino acid residue is found in multiple mammalian species, which suggests that this missense change does not adversely affect protein function. This variant has not been reported in the literature in individuals affected with SLX4-related conditions. This variant is present in population databases (no rsID available, gnomAD 0.003%). This sequence change replaces isoleucine, which is neutral and non-polar, with valine, which is neutral and non-polar, at codon 1311 of the SLX4 protein (p.Ile1311Val).